The following is an entry in ClinVar:

NM_001367805.3(KIF23):c.713C>T (p.Pro238Leu)

Gene: KIF23 (kinesin family member 23; plus strand). Cytogenetic location: 15q23.
Variant type: single nucleotide variant.
Coding change: c.713C>T on transcript NM_001367805.3 (MANE Select); coding-DNA position 713, C replaced by T.
Protein change: p.Pro238Leu; replaces proline 238 with leucine.
Molecular consequence: missense variant. On other transcripts: non-coding transcript variant (2).
Genome position (GRCh38, 1-based): chr15:69,423,308, C>T. VCF-style: chr15-69423308-C-T. GRCh37 (hg19) VCF-style: chr15-69715647-C-T.
Other names: c.383C>T, p.Pro128Leu (NM_001281301.2); c.713C>T, p.Pro238Leu (NM_001367804.2, NM_004856.7, NM_138555.4); short protein forms P128L, P238L.
Identifiers: ClinVar variation 1520770 (VCV001520770.8), dbSNP rs755809004, ClinGen allele CA7634979.
Genomic context (GRCh38, chr15:69,423,308, plus strand): 5'-TATTTGTCTCTTATATTGAAATATATAATAATTACATATATGATCTATTGGAAGAGGTGC[C>T]GTTTGATCCCATAAAACCCAAGTAAGTAATAAAGAGAGCCCCTTCTTAGCTGTTAATGTT-3'
Protein context (NP_001354734.1, residues 228-248): NYIYDLLEEV[Pro238Leu]FDPIKPKWNS

ClinVar aggregate classification (germline): Uncertain significance (1 of 4 stars; one submission).

Allele frequency attached by ClinVar (database versions not stated): TOPMed below 0.00001; ExAC 0.00001; gnomAD 0.00001.

Submission:

Labcorp Genetics (formerly Invitae), Labcorp
Classification: Uncertain significance. Last evaluated: 2021-06-04. Review status: criteria provided, single submitter. Criteria: Invitae Variant Classification Sherloc (09022015). Collection method: clinical testing. Allele origin: germline.
Comment: This variant has not been reported in the literature in individuals with KIF23-related conditions. Algorithms developed to predict the effect of missense changes on protein structure and function output the following: SIFT: "Tolerated"; PolyPhen-2: "Benign"; Align-GVGD: "Class C0". The leucine amino acid residue is found in multiple mammalian species, suggesting that this missense change does not adversely affect protein function. These predictions have not been confirmed by published functional studies and their clinical significance is uncertain. In summary, the available evidence is currently insufficient to determine the role of this variant in disease. Therefore, it has been classified as a Variant of Uncertain Significance. This variant is present in population databases (rs755809004, ExAC 0.02%). This sequence change replaces proline with leucine at codon 238 of the KIF23 protein (p.Pro238Leu). The proline residue is moderately conserved and there is a moderate physicochemical difference between proline and leucine.